The following is an entry in ClinVar:

NM_001005273.3(CHD3):c.3322G>C (p.Gly1108Arg)

Gene: CHD3 (chromodomain helicase DNA binding protein 3; plus strand). Cytogenetic location: 17p13.1.
Variant type: single nucleotide variant.
Coding change: c.3322G>C on transcript NM_001005273.3 (MANE Select); coding-DNA position 3322, G replaced by C.
Protein change: p.Gly1108Arg; replaces glycine 1108 with arginine.
Molecular consequence: missense variant.
Genome position (GRCh38, 1-based): chr17:7,902,679, G>C. VCF-style: chr17-7902679-G-C. GRCh37 (hg19) VCF-style: chr17-7805997-G-C.
Other names: c.3499G>C, p.Gly1167Arg (NM_001005271.3); c.3322G>C, p.Gly1108Arg (NM_005852.4); short protein forms G1108R, G1167R.
Identifiers: ClinVar variation 4071800 (VCV004071800.1).
Genomic context (GRCh38, chr17:7,902,679, plus strand): 5'-ATGTTAGACTTGCTTGAGGACTTCTTAGACTATGAAGGCTACAAGTATGAGCGCATCGAT[G>C]GTGGTATCACGGGTGCCCTGAGGCAGGAGGCCATCGATCGGTTTAATGGTGAGGGAGATA-3'
Protein context (NP_001005273.1, residues 1098-1118): YEGYKYERID[Gly1108Arg]GITGALRQEA

ClinVar aggregate classification (germline): Uncertain significance (1 of 4 stars; one submission).

Submission:

GeneDx
Classification: Uncertain significance. Last evaluated: 2025-01-24. Review status: criteria provided, single submitter. Criteria: GeneDx Variant Classification Process June 2021. Collection method: clinical testing. Allele origin: germline. Affected: yes.
Comment: Not observed at significant frequency in large population cohorts (gnomAD); In silico analysis supports that this missense variant has a deleterious effect on protein structure/function; Has not been previously published as pathogenic or benign to our knowledge